The following is an entry in ClinVar:

NM_004795.4(KL):c.87C>T (p.Arg29=)

Gene: KL (klotho; plus strand). Cytogenetic location: 13q13.1.
Variant type: single nucleotide variant.
Coding change: c.87C>T on transcript NM_004795.4 (MANE Select); coding-DNA position 87, C replaced by T.
Protein change: p.Arg29=; no amino-acid change (arginine 29 retained).
Molecular consequence: synonymous variant.
Genome position (GRCh38, 1-based): chr13:33,016,527, C>T. VCF-style: chr13-33016527-C-T. GRCh37 (hg19) VCF-style: chr13-33590665-C-T.
Other names: p.Arg29=.
Identifiers: ClinVar variation 881808 (VCV000881808.15), dbSNP rs528826951, ClinGen allele CA6943836.

ClinVar aggregate classification (germline): Benign/Likely benign. Review status: criteria provided, multiple submitters, no conflicts (2 of 4 stars). 6 submissions from 6 submitters: Benign (4); Likely benign (2). Last evaluated 2026-01-28.

Conditions:
Tumoral calcinosis, hyperphosphatemic, familial, 3. Identifiers: MedGen C4693864, MONDO:0060715, OMIM 617994.

Allele frequency attached by ClinVar (database versions not stated): ExAC below 0.00001; gnomAD exomes 0.00036 and 0.00050; 1000 Genomes Project 0.00459; 1000 Genomes Project 30x 0.00515; gnomAD 0.00634 and 0.00696; TOPMed 0.00718.
gnomAD v4.1: 1,596 of 1,345,608 alleles (0.12%); highest among the groups gnomAD compares: African/African-American, 2.2%; 16 homozygotes.

Submissions (6):

Labcorp Genetics (formerly Invitae), Labcorp
Classification: Benign. Last evaluated: 2026-01-28. Review status: criteria provided, single submitter. Criteria: Invitae Variant Classification Sherloc (09022015). Collection method: clinical testing. Allele origin: germline.

Mayo Clinic Laboratories, Mayo Clinic
Classification: Likely benign. Last evaluated: 2025-08-22. Review status: criteria provided, single submitter. Criteria: ACMG Guidelines, 2015. Collection method: clinical testing. Allele origin: germline. Observed: 1 variant allele.
Comment: BS1, BP4, BP7

Blueprint Genetics
Classification: Likely benign. Last evaluated: 2024-10-07. Review status: criteria provided, single submitter. Criteria: ACMG Guidelines, 2015. Collection method: clinical testing. Allele origin: germline.

Fulgent Genetics
Classification: Benign for Tumoral calcinosis, hyperphosphatemic, familial, 3. Last evaluated: 2021-07-19. Review status: criteria provided, single submitter. Criteria: ACMG Guidelines, 2015. Collection method: clinical testing. Allele origin: unknown.

Illumina Laboratory Services, Illumina
Classification: Benign for Tumoral calcinosis, hyperphosphatemic, familial, 3. Last evaluated: 2018-01-12. Review status: criteria provided, single submitter. Criteria: ICSL Variant Classification Criteria 13 December 2019. Collection method: clinical testing. Allele origin: germline.
Comment: This variant was observed in the ICSL laboratory as part of a predisposition screen in an ostensibly healthy population. It had not been previously curated by ICSL or reported in the Human Gene Mutation Database (HGMD: prior to June 1st, 2018), and was therefore a candidate for classification through an automated scoring system. Utilizing variant allele frequency, disease prevalence and penetrance estimates, and inheritance mode, an automated score was calculated to assess if this variant is too frequent to cause the disease. Based on the score and internal cut-off values, a variant classified as benign is not then subjected to further curation. The score for this variant resulted in a classification of benign for this disease.

Breakthrough Genomics
Classification: Benign. Review status: criteria provided, single submitter. Criteria: ACMG Guidelines, 2015. Collection method: not provided. Allele origin: germline. Inheritance: Autosomal recessive inheritance. Affected: yes.